The following is an entry in ClinVar:

NM_001211.6(BUB1B):c.1829A>T (p.Asp610Val)

Gene: BUB1B (BUB1 mitotic checkpoint serine/threonine kinase B; plus strand). Cytogenetic location: 15q15.1.
Variant type: single nucleotide variant.
Coding change: c.1829A>T on transcript NM_001211.6 (MANE Select); coding-DNA position 1829, A replaced by T.
Protein change: p.Asp610Val; replaces aspartic acid 610 with valine.
Molecular consequence: missense variant.
Genome position (GRCh38, 1-based): chr15:40,206,278, A>T. VCF-style: chr15-40206278-A-T. GRCh37 (hg19) VCF-style: chr15-40498479-A-T.
Other names: short protein forms D610V.
Identifiers: ClinVar variation 4826659 (VCV004826659.1).

ClinVar aggregate classification (germline): Uncertain significance (1 of 4 stars; one submission).

Conditions:
Inborn genetic diseases. Identifiers: MedGen C0950123, MeSH D030342.

Submission:

Ambry Genetics
Classification: Uncertain significance for Inborn genetic diseases. Last evaluated: 2026-03-12. Review status: criteria provided, single submitter. Criteria: Ambry Variant Classification Scheme 2023. Collection method: clinical testing. Allele origin: germline.
Comment: The p.D610V variant (also known as c.1829A>T), located in coding exon 15 of the BUB1B gene, results from an A to T substitution at nucleotide position 1829. The aspartic acid at codon 610 is replaced by valine, an amino acid with highly dissimilar properties. This amino acid position is conserved. In addition, the in silico prediction for this alteration is inconclusive. Based on the available evidence, the clinical significance of this variant remains unclear.